The following is an entry in ClinVar:

ClinVar aggregate classification (germline): Uncertain significance (1 of 4 stars; one submission).

Conditions:
Arginase deficiency. Also called: Arginase 1 Deficiency; ARGININEMIA; ARG1 DEFICIENCY. Identifiers: Orphanet 90, MedGen C0268548, MONDO:0008814, OMIM 207800.

Allele frequency attached by ClinVar (database versions not stated): ExAC 0.00001; gnomAD exomes below 0.00001.
gnomAD v4.1: 7 of 1,614,104 alleles (0.00043%); highest among the groups gnomAD compares: Middle Eastern, 0.017%; no homozygotes.

Submission:

Labcorp Genetics (formerly Invitae), Labcorp
Classification: Uncertain significance for Arginase deficiency. Last evaluated: 2022-04-07. Review status: criteria provided, single submitter. Criteria: Invitae Variant Classification Sherloc (09022015). Collection method: clinical testing. Allele origin: germline.
Comment: This sequence change replaces histidine, which is basic and polar, with tyrosine, which is neutral and polar, at codon 312 of the ARG1 protein (p.His312Tyr). This variant is present in population databases (rs763958621, gnomAD 0.003%). This variant has not been reported in the literature in individuals affected with ARG1-related conditions. Algorithms developed to predict the effect of missense changes on protein structure and function (SIFT, PolyPhen-2, Align-GVGD) all suggest that this variant is likely to be tolerated. In summary, the available evidence is currently insufficient to determine the role of this variant in disease. Therefore, it has been classified as a Variant of Uncertain Significance.

NM_000045.4(ARG1):c.934C>T (p.His312Tyr)

Genes: ARG1 (arginase 1; plus strand), MED23 (mediator complex subunit 23; minus strand). Cytogenetic location: 6q23.2.
Variant type: single nucleotide variant.
Coding change: c.934C>T on transcript NM_000045.4 (MANE Select); coding-DNA position 934, C replaced by T.
Protein change: p.His312Tyr; replaces histidine 312 with tyrosine.
Molecular consequence: missense variant. On other transcripts: non-coding transcript variant (1), intron variant (2).
Genome position (GRCh38, 1-based): chr6:131,583,873, C>T. VCF-style: chr6-131583873-C-T. GRCh37 (hg19) VCF-style: chr6-131905013-C-T.
Other names: c.958C>T, p.His320Tyr (NM_001244438.2); c.679C>T, p.His227Tyr (NM_001369020.1); c.4077+3836G>A (NM_001270521.2); c.4095+3836G>A (NM_015979.4); short protein forms H320Y, H227Y, H312Y.
Identifiers: ClinVar variation 2148544 (VCV002148544.1), dbSNP rs763958621, ClinGen allele CA3999414.